The following is an entry in ClinVar:

NM_005609.4(PYGM):c.2394del (p.Glu797_Trp798insTer)

Gene: PYGM (glycogen phosphorylase, muscle associated; minus strand). Cytogenetic location: 11q13.1.
Variant type: Deletion.
Coding change: c.2394del on transcript NM_005609.4 (MANE Select); coding-DNA position 2394, one base deleted (G; older notation c.2394delG).
Protein change: p.Glu797_Trp798insTer.
Molecular consequence: nonsense.
Genome position (GRCh38, 1-based): chr11:64,746,794, C deleted on the plus strand (G on the coding strand, the reverse complement: PYGM is on the minus strand); the first of 2 consecutive C bases (chr11:64,746,794-64,746,795); deleting either gives the same sequence. VCF-style (leftmost placement, unchanged base first): chr11-64746793-TC-T. GRCh37 (hg19) VCF-style: chr11-64514265-TC-T.
Other names: c.2130del, p.Glu709_Trp710insTer (NM_001164716.1).
Identifiers: ClinVar variation 2693701 (VCV002693701.3), dbSNP rs2496636484, ClinGen allele CA2697548635.

ClinVar aggregate classification (germline): Pathogenic (1 of 4 stars; one submission).

Conditions:
Glycogen storage disease, type V (GSD5). Also called: McArdle type glycogen storage disease; MCARDLE DISEASE; MUSCLE GLYCOGEN PHOSPHORYLASE DEFICIENCY; MYOPHOSPHORYLASE DEFICIENCY; PYGM DEFICIENCY. Identifiers: Orphanet 368, MedGen C0017924, MONDO:0009293, OMIM 232600.

Submission:

Labcorp Genetics (formerly Invitae), Labcorp
Classification: Pathogenic for Glycogen storage disease, type V. Last evaluated: 2023-11-06. Review status: criteria provided, single submitter. Criteria: Invitae Variant Classification Sherloc (09022015). Collection method: clinical testing. Allele origin: germline.
Comment: This sequence change creates a premature translational stop signal (p.Trp798*) in the PYGM gene. While this is not anticipated to result in nonsense mediated decay, it is expected to disrupt the last 45 amino acid(s) of the PYGM protein. This variant is not present in population databases (gnomAD no frequency). This variant has not been reported in the literature in individuals affected with PYGM-related conditions. This variant disrupts a region of the PYGM protein in which other variant(s) (p.Trp798Arg) have been determined to be pathogenic (PMID: 17630210, 17994553, 21802952). This suggests that this is a clinically significant region of the protein, and that variants that disrupt it are likely to be disease-causing. For these reasons, this variant has been classified as Pathogenic.

Literature cited by the submitters: PubMed 17630210; PubMed 17994553; PubMed 21802952.